The following is an entry in ClinVar:

NM_201384.3(PLEC):c.4363C>T (p.Arg1455Cys)

Gene: PLEC (plectin; minus strand). Cytogenetic location: 8q24.3.
Variant type: single nucleotide variant.
Coding change: c.4363C>T on transcript NM_201384.3 (MANE Select); coding-DNA position 4363, C replaced by T.
Protein change: p.Arg1455Cys; replaces arginine 1455 with cysteine.
Molecular consequence: missense variant.
Genome position (GRCh38, 1-based): chr8:143,925,566, G>A on the plus strand (C>T on the coding strand, the complement: PLEC is on the minus strand). VCF-style: chr8-143925566-G-A. GRCh37 (hg19) VCF-style: chr8-144999734-G-A.
Other names: c.4444C>T, p.Arg1482Cys (NM_000445.5); c.4321C>T, p.Arg1441Cys (NM_201378.4); c.4297C>T, p.Arg1433Cys (NM_201379.3); c.4774C>T, p.Arg1592Cys (NM_201380.4); c.4267C>T, p.Arg1423Cys (NM_201381.3); c.4363C>T, p.Arg1455Cys (NM_201382.4); c.4375C>T, p.Arg1459Cys (NM_201383.3); short protein forms R1455C, R1459C, R1433C, R1441C, R1482C, R1592C, R1423C.
Identifiers: ClinVar variation 283763 (VCV000283763.17), dbSNP rs782436596, ClinGen allele CA4926687.

ClinVar aggregate classification (germline): Uncertain significance. Review status: criteria provided, multiple submitters, no conflicts (2 of 4 stars). 5 submissions from 5 submitters: Uncertain significance (5). Last evaluated 2025-06-06.

Conditions:
Epidermolysis bullosa simplex 5C, with pyloric atresia (EBS5C). Also called: Epidermolysis bullosa simplex with pyloric atresia; PLEC-Related Epidermolysis Bullosa with Pyloric Atresia; PLEC1-Related Epidermolysis Bullosa with Pyloric Atresia. Identifiers: Orphanet 158684, MedGen C2677349, MONDO:0012807, OMIM 612138.
Autosomal recessive limb-girdle muscular dystrophy type 2Q (LGMDR17). Also called: MUSCULAR DYSTROPHY, LIMB-GIRDLE, AUTOSOMAL RECESSIVE 17. Identifiers: Orphanet 254361, MedGen C3150989, MONDO:0013390, OMIM 613723.
Epidermolysis bullosa simplex, Ogna type (EBS5A). Also called: Pidermolysis bullosa simplex 5A, Ogna type; EPIDERMOLYSIS BULLOSA SIMPLEX 5A, OGNA TYPE. Identifiers: Orphanet 79401, MedGen C0432317, MONDO:0007555, OMIM 131950.
Epidermolysis bullosa simplex 5B, with muscular dystrophy (EBS5B). Also called: Epidermolysis bullosa simplex with muscular dystrophy; EPIDERMOLYSIS BULLOSA SIMPLEX AND LIMB-GIRDLE MUSCULAR DYSTROPHY. Identifiers: Orphanet 257, MedGen C2931072, MONDO:0009181, OMIM 226670.
Epidermolysis bullosa simplex with nail dystrophy (EBS5D). Identifiers: MedGen C4225309, MONDO:0014661, OMIM 616487.
Inborn genetic diseases. Identifiers: MedGen C0950123, MeSH D030342.

Allele frequency attached by ClinVar (database versions not stated): ExAC 0.00004; gnomAD exomes 0.00004 and 0.00010; gnomAD 0.00005 and 0.00006; TOPMed 0.00005.
gnomAD v4.1: 141 of 1,587,306 alleles (0.0089%); highest among the groups gnomAD compares: Non-Finnish European, 0.011%; no homozygotes.

Submissions (5):

Ambry Genetics
Classification: Uncertain significance for Inborn genetic diseases. Last evaluated: 2025-06-06. Review status: criteria provided, single submitter. Criteria: Ambry Variant Classification Scheme 2023. Collection method: clinical testing. Allele origin: germline.

Labcorp Genetics (formerly Invitae), Labcorp
Classification: Uncertain significance for Autosomal recessive limb-girdle muscular dystrophy type 2Q; Epidermolysis bullosa simplex, Ogna type; Epidermolysis bullosa simplex with nail dystrophy; Epidermolysis bullosa simplex 5C, with pyloric atresia; Epidermolysis bullosa simplex 5B, with muscular dystrophy. Last evaluated: 2025-05-02. Review status: criteria provided, single submitter. Criteria: Invitae Variant Classification Sherloc (09022015). Collection method: clinical testing. Allele origin: germline.
Comment: This sequence change replaces arginine, which is basic and polar, with cysteine, which is neutral and slightly polar, at codon 1482 of the PLEC protein (p.Arg1482Cys). The frequency data for this variant in the population databases is considered unreliable, as metrics indicate poor data quality at this position in the gnomAD database. This variant has not been reported in the literature in individuals affected with PLEC-related conditions. ClinVar contains an entry for this variant (Variation ID: 283763). Experimental studies and prediction algorithms are not available or were not evaluated, and the functional significance of this variant is currently unknown. In summary, the available evidence is currently insufficient to determine the role of this variant in disease. Therefore, it has been classified as a Variant of Uncertain Significance.

Revvity Omics, Revvity
Classification: Uncertain significance. Last evaluated: 2025-04-23. Review status: criteria provided, single submitter. Criteria: ACMG Guidelines, 2015. Collection method: clinical testing. Allele origin: germline.

Eurofins Ntd Llc (ga)
Classification: Uncertain significance. Last evaluated: 2018-08-30. Review status: criteria provided, single submitter. Criteria: EGL ClinVar v180209 classification definitions. Collection method: clinical testing. Allele origin: germline. Observed: 2 variant alleles, 2 heterozygotes.

Athena Diagnostics
Classification: Uncertain significance. Last evaluated: 2017-09-12. Review status: criteria provided, single submitter. Criteria: Athena Diagnostics Criteria. Collection method: clinical testing. Allele origin: germline.